The following is an entry in ClinVar:

ClinVar aggregate classification (germline): Likely pathogenic (1 of 4 stars; one submission).

Conditions:
Sialuria. Also called: SIALURIA, FRENCH TYPE; Sialic Acid Storage Disease. Identifiers: Orphanet 3166, MedGen C0342853, MONDO:0010028, OMIM 269921.
GNE myopathy (NM). Also called: NONAKA DISTAL MYOPATHY; INCLUSION BODY MYOPATHY, HEREDITARY, AUTOSOMAL RECESSIVE; INCLUSION BODY MYOPATHY 2, AUTOSOMAL RECESSIVE; MYOPATHY, DISTAL, WITH OR WITHOUT RIMMED VACUOLES; IBM 2; Inclusion body myopathy autosomal recessive. Identifiers: Orphanet 602, MedGen C1853926, MONDO:0011603, OMIM 605820.

Allele frequency attached by ClinVar (database versions not stated): gnomAD exomes below 0.00001; gnomAD 0.00001.
gnomAD v4.1: 3 of 1,570,212 alleles (0.00019%); highest among the groups gnomAD compares: African/African-American, 0.0013%; no homozygotes.

Submission:

Labcorp Genetics (formerly Invitae), Labcorp
Classification: Likely pathogenic for Sialuria; GNE myopathy. Last evaluated: 2023-11-01. Review status: criteria provided, single submitter. Criteria: Invitae Variant Classification Sherloc (09022015). Collection method: clinical testing. Allele origin: germline.
Comment: This sequence change affects an acceptor splice site in intron 6 of the GNE gene. It is expected to disrupt RNA splicing. Variants that disrupt the donor or acceptor splice site typically lead to a loss of protein function (PMID: 16199547), and loss-of-function variants in GNE are known to be pathogenic (PMID: 24027297). This variant is not present in population databases (gnomAD no frequency). This variant has not been reported in the literature in individuals affected with GNE-related conditions. Algorithms developed to predict the effect of sequence changes on RNA splicing suggest that this variant may disrupt the consensus splice site. In summary, the currently available evidence indicates that the variant is pathogenic, but additional data are needed to prove that conclusively. Therefore, this variant has been classified as Likely Pathogenic.

Literature cited by the submitters: PubMed 16199547; PubMed 24027297.

NM_005476.7(GNE):c.1071-2A>C

Gene: GNE (glucosamine (UDP-N-acetyl)-2-epimerase/N-acetylmannosamine kinase; minus strand). Cytogenetic location: 9p13.3.
Variant type: single nucleotide variant.
Coding change: c.1071-2A>C on transcript NM_005476.7 (MANE Select); the canonical splice acceptor site of the intron before coding-DNA position 1071, A replaced by C.
Molecular consequence: splice acceptor variant.
Genome position (GRCh38, 1-based): chr9:36,227,460, T>G on the plus strand (A>C on the coding strand, the complement: GNE is on the minus strand). VCF-style: chr9-36227460-T-G. GRCh37 (hg19) VCF-style: chr9-36227457-T-G.
Other names: c.894-2A>C (NM_001190388.2, NM_001374798.1); c.1164-2A>C (NM_001128227.3); c.741-2A>C (NM_001190384.3); c.918-2A>C (NM_001374797.1); c.1071-2A>C (NM_001190383.3).
Identifiers: ClinVar variation 2934605 (VCV002934605.3), dbSNP rs1828930645, ClinGen allele CA373429272.
Genomic context (GRCh38, chr9:36,227,460, plus strand): 5'-TAGATTTGAGAAACTTCAAAATCCTTGGAACAGCATTTCCATCCCCATATATCTTTGAAC[T>G]GCAATATACAAAAAGTCAATTAAATTATATGCTTCTGCCATACATGTTAAGTGGTAGTGA-3'